The following is an entry in ClinVar:

NM_017752.3(TBC1D8B):c.1958T>A (p.Leu653His)

Gene: TBC1D8B (TBC1 domain family member 8B; plus strand). Cytogenetic location: Xq22.3.
Variant type: single nucleotide variant.
Coding change: c.1958T>A on transcript NM_017752.3 (MANE Select); coding-DNA position 1958, T replaced by A.
Protein change: p.Leu653His; replaces leucine 653 with histidine.
Molecular consequence: missense variant.
Genome position (GRCh38, 1-based): chrX:106,850,145, T>A. VCF-style: chrX-106850145-T-A. GRCh37 (hg19) VCF-style: chrX-106093375-T-A.
Other names: short protein forms L653H.
Identifiers: ClinVar variation 2410267 (VCV002410267.4), dbSNP rs777279942, ClinGen allele CA10483265.
Genomic context (GRCh38, chrX:106,850,145, plus strand): 5'-CAGAACACATGACTGATATGACATTCTTTTCCTCAGTTTCTCTCTCTTGGTTTCTCACAC[T>A]TTTTATTAGTGTGCTACCTATTGAAAGTGCAGTGAATGTGGTGGACTGTTTCTTCTATGA-3'
Protein context (NP_060222.2, residues 643-663): SSVSLSWFLT[Leu653His]FISVLPIESA

ClinVar aggregate classification (germline): Uncertain significance. Review status: criteria provided, multiple submitters, no conflicts (2 of 4 stars). 2 submissions from 2 submitters: Uncertain significance (2). Last evaluated 2025-09-10.

Allele frequency attached by ClinVar (database versions not stated): gnomAD exomes 0.00001; ExAC 0.00002; gnomAD 0.00005; TOPMed 0.00007.
gnomAD v4.1: 18 of 1,209,994 alleles (0.0015%); highest among the groups gnomAD compares: African/African-American, 0.0035%; no homozygotes.

Submissions (2):

Ambry Genetics
Classification: Uncertain significance. Last evaluated: 2025-09-10. Review status: criteria provided, single submitter. Criteria: Ambry Variant Classification Scheme 2023. Collection method: clinical testing. Allele origin: germline.

Labcorp Genetics (formerly Invitae), Labcorp
Classification: Uncertain significance. Last evaluated: 2025-03-06. Review status: criteria provided, single submitter. Criteria: Invitae Variant Classification Sherloc (09022015). Collection method: clinical testing. Allele origin: germline.
Comment: This sequence change replaces leucine, which is neutral and non-polar, with histidine, which is basic and polar, at codon 653 of the TBC1D8B protein (p.Leu653His). This variant is present in population databases (rs777279942, gnomAD 0.006%). This variant has not been reported in the literature in individuals affected with TBC1D8B-related conditions. ClinVar contains an entry for this variant (Variation ID: 2410267). An algorithm developed to predict the effect of missense changes on protein structure and function (PolyPhen-2) suggests that this variant is likely to be disruptive. In summary, the available evidence is currently insufficient to determine the role of this variant in disease. Therefore, it has been classified as a Variant of Uncertain Significance.